The following is an entry in ClinVar:

ClinVar aggregate classification (germline): Uncertain significance (1 of 4 stars; one submission).

Conditions:
GLUT1 deficiency syndrome 1, autosomal recessive. Identifiers: MedGen C3149117.

Allele frequency attached by ClinVar (database versions not stated): gnomAD exomes below 0.00001.
gnomAD v4.1: 6 of 1,614,098 alleles (0.00037%); highest among the groups gnomAD compares: Non-Finnish European, 0.00051%; no homozygotes.

Submission:

Labcorp Genetics (formerly Invitae), Labcorp
Classification: Uncertain significance for GLUT1 deficiency syndrome 1, autosomal recessive. Last evaluated: 2019-07-24. Review status: criteria provided, single submitter. Criteria: Invitae Variant Classification Sherloc (09022015). Collection method: clinical testing. Allele origin: germline.
Comment: This variant is not present in population databases (ExAC no frequency). In summary, the available evidence is currently insufficient to determine the role of this variant in disease. Therefore, it has been classified as a Variant of Uncertain Significance. Algorithms developed to predict the effect of missense changes on protein structure and function (SIFT, PolyPhen-2, Align-GVGD) all suggest that this variant is likely to be tolerated, but these predictions have not been confirmed by published functional studies and their clinical significance is uncertain. This variant has not been reported in the literature in individuals with SLC2A1-related conditions. This sequence change replaces isoleucine with valine at codon 446 of the SLC2A1 protein (p.Ile446Val). The isoleucine residue is moderately conserved and there is a small physicochemical difference between isoleucine and valine.

NM_006516.4(SLC2A1):c.1336A>G (p.Ile446Val)

Gene: SLC2A1 (solute carrier family 2 member 1; minus strand). Cytogenetic location: 1p34.2.
Variant type: single nucleotide variant.
Coding change: c.1336A>G on transcript NM_006516.4 (MANE Select); coding-DNA position 1336, A replaced by G.
Protein change: p.Ile446Val; replaces isoleucine 446 with valine.
Molecular consequence: missense variant.
Genome position (GRCh38, 1-based): chr1:42,927,184, T>C on the plus strand (A>G on the coding strand, the complement: SLC2A1 is on the minus strand). VCF-style: chr1-42927184-T-C. GRCh37 (hg19) VCF-style: chr1-43392855-T-C.
Other names: short protein forms I446V.
Identifiers: ClinVar variation 959724 (VCV000959724.10), dbSNP rs1643436127, ClinGen allele CA339953317.